The following is an entry in ClinVar:

NM_006231.4(POLE):c.2801A>G (p.Asp934Gly)

Gene: POLE (DNA polymerase epsilon, catalytic subunit; minus strand). Cytogenetic location: 12q24.33.
Variant type: single nucleotide variant.
Coding change: c.2801A>G on transcript NM_006231.4 (MANE Select); coding-DNA position 2801, A replaced by G.
Protein change: p.Asp934Gly; replaces aspartic acid 934 with glycine.
Molecular consequence: missense variant.
Genome position (GRCh38, 1-based): chr12:132,661,590, T>C on the plus strand (A>G on the coding strand, the complement: POLE is on the minus strand). VCF-style: chr12-132661590-T-C. GRCh37 (hg19) VCF-style: chr12-133238176-T-C.
Other names: c.2801A>G (NM_006231.2); short protein forms D934G.
Identifiers: ClinVar variation 579262 (VCV000579262.11), dbSNP rs1242503528, ClinGen allele CA387393748.

ClinVar aggregate classification (germline): Uncertain significance. Review status: criteria provided, multiple submitters, no conflicts (2 of 4 stars). 2 submissions from 2 submitters: Uncertain significance (2). Last evaluated 2025-08-06.

Conditions:
Hereditary cancer-predisposing syndrome. Also called: Neoplastic Syndromes, Hereditary; Tumor predisposition; Hereditary neoplastic syndrome; Hereditary Cancer Syndrome. Identifiers: Orphanet 140162, MedGen C0027672, MeSH D009386, MONDO:0015356.

Allele frequency attached by ClinVar (database versions not stated): gnomAD 0.00001.
gnomAD v4.1: 1 of 1,614,088 alleles (0.000062%); highest among the groups gnomAD compares: Non-Finnish European, 0.000085%; no homozygotes.

Submissions (2):

Ambry Genetics
Classification: Uncertain significance for Hereditary cancer-predisposing syndrome. Last evaluated: 2025-08-06. Review status: criteria provided, single submitter. Criteria: Ambry Variant Classification Scheme 2023. Collection method: clinical testing. Allele origin: germline.
Comment: The p.D934G variant (also known as c.2801A>G), located in coding exon 24 of the POLE gene, results from an A to G substitution at nucleotide position 2801. The aspartic acid at codon 934 is replaced by glycine, an amino acid with similar properties. This amino acid position is highly conserved in available vertebrate species. In addition, this alteration is predicted to be deleterious by in silico analysis. Based on the available evidence, the clinical significance of this variant remains unclear.

Labcorp Genetics (formerly Invitae), Labcorp
Classification: Uncertain significance. Last evaluated: 2019-06-14. Review status: criteria provided, single submitter. Criteria: Invitae Variant Classification Sherloc (09022015). Collection method: clinical testing. Allele origin: germline.
Comment: This variant is not present in population databases (ExAC no frequency). This sequence change replaces aspartic acid with glycine at codon 934 of the POLE protein (p.Asp934Gly). The aspartic acid residue is highly conserved and there is a moderate physicochemical difference between aspartic acid and glycine. This variant has not been reported in the literature in individuals with POLE-related disease. Algorithms developed to predict the effect of missense changes on protein structure and function (SIFT, PolyPhen-2, Align-GVGD) all suggest that this variant is likely to be disruptive, but these predictions have not been confirmed by published functional studies and their clinical significance is uncertain. Algorithms developed to predict the effect of sequence changes on RNA splicing suggest that this variant may create or strengthen a splice site, but this prediction has not been confirmed by published transcriptional studies. In summary, the available evidence is currently insufficient to determine the role of this variant in disease. Therefore, it has been classified as a Variant of Uncertain Significance.